The following is an entry in ClinVar:

NM_001080512.3(BICC1):c.1765C>G (p.Leu589Val)

Gene: BICC1 (BicC family RNA binding protein 1; plus strand). Cytogenetic location: 10q21.1.
Variant type: single nucleotide variant.
Coding change: c.1765C>G on transcript NM_001080512.3 (MANE Select); coding-DNA position 1765, C replaced by G.
Protein change: p.Leu589Val; replaces leucine 589 with valine.
Molecular consequence: missense variant.
Genome position (GRCh38, 1-based): chr10:58,800,233, C>G. VCF-style: chr10-58800233-C-G. GRCh37 (hg19) VCF-style: chr10-60559993-C-G.
Other names: short protein forms L589V.
Identifiers: ClinVar variation 4856884 (VCV004856884.2).

ClinVar aggregate classification (germline): Uncertain significance (1 of 4 stars; one submission).

Submission:

Dasa
Classification: Uncertain significance. Last evaluated: 2025-07-19. Review status: criteria provided, single submitter. Criteria: DASA Assertion Criteria. Collection method: clinical testing. Allele origin: germline.
Comment: NM_001080512.3(BICC1):c.1765C>G (p.Leu589Val) is a missense variant that results in the substitution of leucine with valine. This variant is absent from population databases. Computational prediction algorithms are consistent with a benign effect. The currently available literature and clinical evidence are not sufficient to establish a definitive association between this variant and the reported condition. Therefore, this variant is classified as a variant of uncertain significance.